The following is an entry in ClinVar:

NM_022489.4(INF2):c.1337T>C (p.Leu446Pro)

Gene: INF2 (inverted formin 2; plus strand). Cytogenetic location: 14q32.33.
Variant type: single nucleotide variant.
Coding change: c.1337T>C on transcript NM_022489.4 (MANE Select); coding-DNA position 1337, T replaced by C.
Protein change: p.Leu446Pro; replaces leucine 446 with proline.
Molecular consequence: missense variant.
Genome position (GRCh38, 1-based): chr14:104,707,604, T>C. VCF-style: chr14-104707604-T-C. GRCh37 (hg19) VCF-style: chr14-105173941-T-C.
Other names: c.1337T>C, p.Leu446Pro (NM_001031714.4, NM_001426862.1, NM_001426863.1 and 2 more transcripts); short protein forms L446P.
Identifiers: ClinVar variation 2927427 (VCV002927427.3), dbSNP rs775331561, ClinGen allele CA7372561.
Genomic context (GRCh38, chr14:104,707,604, plus strand): 5'-CCCCACCCCTGCTCCCTGGTTCCAGTGCCGAGCCCCCTCCCCCTCCCCCACCACCCCCCC[T>C]GCCCAGTGTGGGGGCTAAGGCCCTCCCAACAGCACCCCCGCCCCCACCCCTGCCAGGCCT-3'
Protein context (NP_071934.3, residues 436-456): EPPPPPPPPP[Leu446Pro]PSVGAKALPT

ClinVar aggregate classification (germline): Uncertain significance (1 of 4 stars; one submission).

Conditions:
Charcot-Marie-Tooth disease dominant intermediate E. Also called: CHARCOT-MARIE-TOOTH NEUROPATHY WITH FOCAL SEGMENTAL GLOMERULONEPHRITIS. Identifiers: Orphanet 93114, MedGen C4302667, MONDO:0013758, OMIM 614455.
Focal segmental glomerulosclerosis 5 (FSGS5). Identifiers: Orphanet 656, MedGen C2750475, MONDO:0013191, OMIM 613237.

Allele frequency attached by ClinVar (database versions not stated): ExAC 0.00107.

Submission:

Labcorp Genetics (formerly Invitae), Labcorp
Classification: Uncertain significance for Charcot-Marie-Tooth disease dominant intermediate E; Focal segmental glomerulosclerosis 5. Last evaluated: 2023-11-24. Review status: criteria provided, single submitter. Criteria: Invitae Variant Classification Sherloc (09022015). Collection method: clinical testing. Allele origin: germline.
Comment: This sequence change replaces leucine, which is neutral and non-polar, with proline, which is neutral and non-polar, at codon 446 of the INF2 protein (p.Leu446Pro). The frequency data for this variant in the population databases is considered unreliable, as metrics indicate poor data quality at this position in the gnomAD database. This variant has not been reported in the literature in individuals affected with INF2-related conditions. Advanced modeling of protein sequence and biophysical properties (such as structural, functional, and spatial information, amino acid conservation, physicochemical variation, residue mobility, and thermodynamic stability) performed at Invitae indicates that this missense variant is not expected to disrupt INF2 protein function with a negative predictive value of 95%. In summary, the available evidence is currently insufficient to determine the role of this variant in disease. Therefore, it has been classified as a Variant of Uncertain Significance.